The following is an entry in ClinVar:

ClinVar aggregate classification (germline): Uncertain significance. Review status: criteria provided, multiple submitters, no conflicts (2 of 4 stars). 3 submissions from 3 submitters: Uncertain significance (3). Last evaluated 2025-10-22.

Conditions:
Inborn genetic diseases. Identifiers: MedGen C0950123, MeSH D030342.
Joubert syndrome 14 (JBTS14). Identifiers: MedGen C3280766, MONDO:0013745, OMIM 614424.

Allele frequency attached by ClinVar (database versions not stated): gnomAD 0.00002; TOPMed 0.00005; gnomAD exomes 0.00007 and 0.00015; ExAC 0.00022.
gnomAD v4.1: 44 of 1,596,756 alleles (0.0028%); highest among the groups gnomAD compares: Admixed American, 0.073%; no homozygotes.

Submissions (3):

Ambry Genetics
Classification: Uncertain significance for Inborn genetic diseases. Last evaluated: 2025-10-22. Review status: criteria provided, single submitter. Criteria: Ambry Variant Classification Scheme 2023. Collection method: clinical testing. Allele origin: germline.

GeneDx
Classification: Uncertain significance. Last evaluated: 2023-08-29. Review status: criteria provided, single submitter. Criteria: GeneDx Variant Classification Process June 2021. Collection method: clinical testing. Allele origin: germline. Affected: yes.
Comment: In silico analysis supports that this missense variant does not alter protein structure/function; Has not been previously published as pathogenic or benign to our knowledge

Labcorp Genetics (formerly Invitae), Labcorp
Classification: Uncertain significance for Joubert syndrome 14. Last evaluated: 2022-08-23. Review status: criteria provided, single submitter. Criteria: Invitae Variant Classification Sherloc (09022015). Collection method: clinical testing. Allele origin: germline.
Comment: This sequence change replaces proline, which is neutral and non-polar, with leucine, which is neutral and non-polar, at codon 118 of the TMEM237 protein (p.Pro118Leu). This variant is present in population databases (rs17856844, gnomAD 0.1%). This variant has not been reported in the literature in individuals affected with TMEM237-related conditions. ClinVar contains an entry for this variant (Variation ID: 1326068). Algorithms developed to predict the effect of missense changes on protein structure and function are either unavailable or do not agree on the potential impact of this missense change (SIFT: "Deleterious"; PolyPhen-2: "Benign"; Align-GVGD: "Class C0"). In summary, the available evidence is currently insufficient to determine the role of this variant in disease. Therefore, it has been classified as a Variant of Uncertain Significance.

NM_001044385.3(TMEM237):c.353C>T (p.Pro118Leu)

Gene: TMEM237 (transmembrane protein 237; minus strand). Cytogenetic location: 2q33.1.
Variant type: single nucleotide variant.
Coding change: c.353C>T on transcript NM_001044385.3 (MANE Select); coding-DNA position 353, C replaced by T.
Protein change: p.Pro118Leu; replaces proline 118 with leucine.
Molecular consequence: missense variant.
Genome position (GRCh38, 1-based): chr2:201,633,353, G>A on the plus strand (C>T on the coding strand, the complement: TMEM237 is on the minus strand). VCF-style: chr2-201633353-G-A. GRCh37 (hg19) VCF-style: chr2-202498076-G-A.
Other names: c.353C>T (NM_001044385.1); c.329C>T, p.Pro110Leu (NM_152388.4); short protein forms P110L, P118L.
Identifiers: ClinVar variation 1326068 (VCV001326068.7), dbSNP rs17856844, ClinGen allele CA2056512.